The following is an entry in ClinVar:

ClinVar aggregate classification (germline): Uncertain significance (1 of 4 stars; one submission).

Conditions:
Neurofibromatosis, type 1 (NF1). Also called: VON RECKLINGHAUSEN DISEASE; NEUROFIBROMATOSIS, TYPE I, SOMATIC; Peripheral type neurofibromatosis; Neurofibromatosis, type I. Identifiers: Orphanet 636, MedGen C0027831, MONDO:0018975, OMIM 162200. Disease mechanism: loss of function.

Submission:

Labcorp Genetics (formerly Invitae), Labcorp
Classification: Uncertain significance for Neurofibromatosis, type 1. Last evaluated: 2018-12-22. Review status: criteria provided, single submitter. Criteria: Invitae Variant Classification Sherloc (09022015). Collection method: clinical testing. Allele origin: germline.
Comment: In summary, the available evidence is currently insufficient to determine the role of this variant in disease. Therefore, it has been classified as a Variant of Uncertain Significance. Algorithms developed to predict the effect of missense changes on protein structure and function are either unavailable or do not agree on the potential impact of this missense change (SIFT: "Deleterious"; PolyPhen-2: "Probably Damaging"; Align-GVGD: "Class C0"). This variant has not been reported in the literature in individuals with NF1-related conditions. This variant is not present in population databases (ExAC no frequency). This sequence change replaces valine with glycine at codon 325 of the NF1 protein (p.Val325Gly). The valine residue is highly conserved and there is a moderate physicochemical difference between valine and glycine.

NM_001042492.3(NF1):c.974T>G (p.Val325Gly)

Gene: NF1 (neurofibromin 1; plus strand). Cytogenetic location: 17q11.2.
Variant type: single nucleotide variant.
Coding change: c.974T>G on transcript NM_001042492.3 (MANE Select); coding-DNA position 974, T replaced by G.
Protein change: p.Val325Gly; replaces valine 325 with glycine.
Molecular consequence: missense variant.
Genome position (GRCh38, 1-based): chr17:31,200,507, T>G. VCF-style: chr17-31200507-T-G. GRCh37 (hg19) VCF-style: chr17-29527525-T-G.
Other names: c.974T>G, p.Val325Gly (NM_000267.4, NM_001128147.3); short protein forms V325G.
Identifiers: ClinVar variation 659113 (VCV000659113.5), dbSNP rs1422095982, ClinGen allele CA398996017.